The following is an entry in ClinVar:

NM_001363711.2(DUOX2):c.2561G>C (p.Gly854Ala)

Gene: DUOX2 (dual oxidase 2; minus strand). Cytogenetic location: 15q21.1.
Variant type: single nucleotide variant.
Coding change: c.2561G>C on transcript NM_001363711.2 (MANE Select); coding-DNA position 2561, G replaced by C.
Protein change: p.Gly854Ala; replaces glycine 854 with alanine.
Molecular consequence: missense variant.
Genome position (GRCh38, 1-based): chr15:45,104,053, C>G on the plus strand (G>C on the coding strand, the complement: DUOX2 is on the minus strand). VCF-style: chr15-45104053-C-G. GRCh37 (hg19) VCF-style: chr15-45396251-C-G.
Other names: c.2561G>C, p.Gly854Ala (NM_014080.5); short protein forms G854A.
Identifiers: ClinVar variation 1390468 (VCV001390468.7), dbSNP rs1296928111, ClinGen allele CA392269209.

ClinVar aggregate classification (germline): Uncertain significance (1 of 4 stars; one submission).

gnomAD v4.1: 20 of 1,613,950 alleles (0.0012%); highest among the groups gnomAD compares: Non-Finnish European, 0.0016%; no homozygotes.

Submission:

Labcorp Genetics (formerly Invitae), Labcorp
Classification: Uncertain significance. Last evaluated: 2024-05-20. Review status: criteria provided, single submitter. Criteria: Invitae Variant Classification Sherloc (09022015). Collection method: clinical testing. Allele origin: germline.
Comment: This sequence change replaces glycine, which is neutral and non-polar, with alanine, which is neutral and non-polar, at codon 854 of the DUOX2 protein (p.Gly854Ala). This variant is not present in population databases (gnomAD no frequency). This variant has not been reported in the literature in individuals affected with DUOX2-related conditions. ClinVar contains an entry for this variant (Variation ID: 1390468). An algorithm developed to predict the effect of missense changes on protein structure and function (PolyPhen-2) suggests that this variant is likely to be disruptive. In summary, the available evidence is currently insufficient to determine the role of this variant in disease. Therefore, it has been classified as a Variant of Uncertain Significance.